The following is an entry in ClinVar:

NC_000007.14:g.(?_124892256)_(124897173_?)del

Gene: POT1 (protection of telomeres 1; minus strand). Cytogenetic location: 7q31.33.
Variant type: Deletion.
Identifiers: ClinVar variation 3245823 (VCV003245823.1).

ClinVar aggregate classification (germline): Pathogenic (1 of 4 stars; one submission).

Conditions:
Tumor predisposition syndrome 3 (TPDS3). Also called: Glioma susceptibility 9; LONG TELOMERE SYNDROME, POT1-RELATED; POT1 Tumor Predisposition; Melanoma, cutaneous malignant, susceptibility to, 10. Identifiers: Orphanet 618, MedGen C4014476, MONDO:0014368, OMIM 615848.

Submission:

Labcorp Genetics (formerly Invitae), Labcorp
Classification: Pathogenic for Tumor predisposition syndrome 3. Last evaluated: 2023-10-06. Review status: criteria provided, single submitter. Criteria: Invitae Variant Classification Sherloc (09022015). Collection method: clinical testing. Allele origin: unknown.
Comment: This variant is a gross deletion of the genomic region encompassing exon(s) 5-6 of the POT1 gene, which includes the initiator codon. This deletion extends beyond the assayed region for this gene and therefore may encompass additional genes. It is expected to result in an absent or disrupted protein product. Loss-of-function variants in POT1 are known to be pathogenic (PMID: 32155570). This variant has not been reported in the literature in individuals affected with POT1-related conditions. For these reasons, this variant has been classified as Pathogenic.

Literature cited by the submitters: PubMed 32155570.